The following is an entry in ClinVar:

ClinVar aggregate classification (germline): Conflicting classifications of pathogenicity. Review status: criteria provided, conflicting classifications (1 of 4 stars). 5 submissions from 5 submitters: Uncertain significance (2); Benign (1); Likely benign (2). Last evaluated 2026-06-30.

Conditions:
Cardiovascular phenotype. Identifiers: MedGen CN230736.
Long QT syndrome (LQTS). Identifiers: MedGen C0023976, MeSH D008133, MONDO:0002442. Disease mechanism: loss of function. Inheritance: Various modes of inheritance.

Allele frequency attached by ClinVar (database versions not stated): gnomAD 0.00002 and 0.00003; ExAC 0.00003; gnomAD exomes 0.00005 and 0.00003; TOPMed 0.00003.
gnomAD v4.1: 22 of 1,612,598 alleles (0.0014%); highest among the groups gnomAD compares: Admixed American, 0.035%; no homozygotes.

Submissions (5):

Women's Health and Genetics/Laboratory Corporation of America, LabCorp
Classification: Likely benign. Last evaluated: 2026-06-30. Review status: criteria provided, single submitter. Criteria: LabCorp Variant Classification Summary - May 2015. Collection method: clinical testing. Allele origin: germline.

Labcorp Genetics (formerly Invitae), Labcorp
Classification: Likely benign for Long QT syndrome. Last evaluated: 2026-01-12. Review status: criteria provided, single submitter. Criteria: Invitae Variant Classification Sherloc (09022015). Collection method: clinical testing. Allele origin: germline.

Ambry Genetics
Classification: Benign for Cardiovascular phenotype. Last evaluated: 2025-07-07. Review status: criteria provided, single submitter. Criteria: Ambry Variant Classification Scheme 2023. Collection method: clinical testing. Allele origin: germline.

GeneDx
Classification: Uncertain significance. Last evaluated: 2022-07-29. Review status: criteria provided, single submitter. Criteria: GeneDx Variant Classification Process June 2021. Collection method: clinical testing. Allele origin: germline. Affected: yes.
Comment: In silico analysis supports that this missense variant does not alter protein structure/function; Has not been previously published as pathogenic or benign to our knowledge

Stanford Center for Inherited Cardiovascular Disease, Stanford University
Classification: Uncertain significance. Last evaluated: 2017-04-17. Review status: criteria provided, single submitter. Criteria: ACMG Guidelines, 2015. Collection method: provider interpretation. Allele origin: germline.

NM_000890.5(KCNJ5):c.1190A>G (p.Glu397Gly)

Gene: KCNJ5 (potassium inwardly rectifying channel subfamily J member 5; plus strand). Cytogenetic location: 11q24.3.
Variant type: single nucleotide variant.
Coding change: c.1190A>G on transcript NM_000890.5 (MANE Select); coding-DNA position 1190, A replaced by G.
Protein change: p.Glu397Gly; replaces glutamic acid 397 with glycine.
Molecular consequence: missense variant.
Genome position (GRCh38, 1-based): chr11:128,916,661, A>G. VCF-style: chr11-128916661-A-G. GRCh37 (hg19) VCF-style: chr11-128786556-A-G.
Other names: c.1190A>G (LRG_333t1); c.1190A>G, p.Glu397Gly (NM_001354169.2); short protein forms E397G.
Identifiers: ClinVar variation 457004 (VCV000457004.19), dbSNP rs780934792, ClinGen allele CA6358019.
Genomic context (GRCh38, chr11:128,916,661, plus strand): 5'-TCCAGTACCTCCCCAGCCCCCCACTGCTGGGGGGCTGTGCTGAGGCAGGGCTGGATGCAG[A>G]GGCTGAGCAGAATGAAGAAGATGAGCCCAAGGGGCTGGGTGGGTCCAGGGAGGCCAGGGG-3'
Protein context (NP_000881.3, residues 387-407): GGCAEAGLDA[Glu397Gly]AEQNEEDEPK